The following is an entry in ClinVar:

NM_015374.3(SUN2):c.1663+10C>G

Genes: GTPBP1 (GTP binding protein 1; plus strand), SUN2 (Sad1 and UNC84 domain containing 2; minus strand). Cytogenetic location: 22q13.1.
Variant type: single nucleotide variant.
Coding change: c.1663+10C>G on transcript NM_015374.3 (MANE Select); 10 bases into the intron after coding-DNA position 1663, C replaced by G.
Molecular consequence: intron variant.
Genome position (GRCh38, 1-based): chr22:38,739,332, G>C on the plus strand (C>G on the coding strand, the complement: SUN2 is on the minus strand). VCF-style: chr22-38739332-G-C. GRCh37 (hg19) VCF-style: chr22-39135337-G-C.
Other names: p.?; c.1726+10C>G (NM_001199579.2); c.1663+10C>G (NM_001199580.2).
Identifiers: ClinVar variation 1170622 (VCV001170622.11), dbSNP rs372134058, ClinGen allele CA10235484.

ClinVar aggregate classification (germline): Benign/Likely benign. Review status: criteria provided, multiple submitters, no conflicts (2 of 4 stars). 2 submissions from 2 submitters: Benign (1); Likely benign (1). Last evaluated 2025-11-11.

Conditions:
Emery-Dreifuss muscular dystrophy (EDMD). Also called: Scapuloperoneal syndrome, X-linked (formerly); Humeroperoneal neuromuscular disease, (formerly). Identifiers: Orphanet 261, MedGen C0410189, MONDO:0016830.

Allele frequency attached by ClinVar (database versions not stated): gnomAD exomes 0.00004 and 0.00016; ExAC 0.00016; gnomAD 0.00051 and 0.00058; TOPMed 0.00060; ESP Exome Variant Server 0.00100.
gnomAD v4.1: 145 of 1,612,672 alleles (0.009%); highest among the groups gnomAD compares: African/African-American, 0.17%; no homozygotes.

Submissions (2):

Labcorp Genetics (formerly Invitae), Labcorp
Classification: Benign for Emery-Dreifuss muscular dystrophy. Last evaluated: 2025-11-11. Review status: criteria provided, single submitter. Criteria: Invitae Variant Classification Sherloc (09022015). Collection method: clinical testing. Allele origin: germline.

Mayo Clinic Laboratories, Mayo Clinic
Classification: Likely benign. Last evaluated: 2025-01-21. Review status: criteria provided, single submitter. Criteria: ACMG Guidelines, 2015. Collection method: clinical testing. Allele origin: germline. Observed: 1 variant allele.
Comment: BP4, BP7